The following is an entry in ClinVar:

NM_002181.4(IHH):c.143C>T (p.Ala48Val)

Gene: IHH (Indian hedgehog signaling molecule; minus strand). Cytogenetic location: 2q35.
Variant type: single nucleotide variant.
Coding change: c.143C>T on transcript NM_002181.4 (MANE Select); coding-DNA position 143, C replaced by T.
Protein change: p.Ala48Val; replaces alanine 48 with valine.
Molecular consequence: missense variant.
Genome position (GRCh38, 1-based): chr2:219,060,325, G>A on the plus strand (C>T on the coding strand, the complement: IHH is on the minus strand). VCF-style: chr2-219060325-G-A. GRCh37 (hg19) VCF-style: chr2-219925047-G-A.
Other names: c.143C>T (NM_002181.3); short protein forms A48V.
Identifiers: ClinVar variation 1062126 (VCV001062126.10), dbSNP rs752362743, ClinGen allele CA2116762.
Genomic context (GRCh38, chr2:219,060,325, plus strand): 5'-TCATAGCGTCCGCTGGCGCCCAGGGTCTTCTCGGGCACATTGGGGCTGAACTGCTTGTAG[G>A]CGAGCGGCACGAGTTTGCGTGGCGGTCGCCGGCGGCTGCCCACCACCCGACCCGGCCCGC-3'
Protein context (NP_002172.2, residues 38-58): RRPPRKLVPL[Ala48Val]YKQFSPNVPE

ClinVar aggregate classification (germline): Uncertain significance. Review status: criteria provided, multiple submitters, no conflicts (2 of 4 stars). 2 submissions from 2 submitters: Uncertain significance (2). Last evaluated 2025-08-28.

Conditions:
Inborn genetic diseases. Identifiers: MedGen C0950123, MeSH D030342.

Allele frequency attached by ClinVar (database versions not stated): TOPMed below 0.00001; ExAC 0.00003; gnomAD exomes 0.00003.
gnomAD v4.1: 56 of 1,611,590 alleles (0.0035%); highest among the groups gnomAD compares: Non-Finnish European, 0.0038%; no homozygotes.

Submissions (2):

Ambry Genetics
Classification: Uncertain significance for Inborn genetic diseases. Last evaluated: 2025-08-28. Review status: criteria provided, single submitter. Criteria: Ambry Variant Classification Scheme 2023. Collection method: clinical testing. Allele origin: germline.

Labcorp Genetics (formerly Invitae), Labcorp
Classification: Uncertain significance. Last evaluated: 2021-01-28. Review status: criteria provided, single submitter. Criteria: Invitae Variant Classification Sherloc (09022015). Collection method: clinical testing. Allele origin: germline.
Comment: This variant has not been reported in the literature in individuals with IHH-related conditions. This variant is present in population databases (rs752362743, ExAC 0.003%). This sequence change replaces alanine with valine at codon 48 of the IHH protein (p.Ala48Val). The alanine residue is moderately conserved and there is a small physicochemical difference between alanine and valine. Algorithms developed to predict the effect of missense changes on protein structure and function (SIFT, PolyPhen-2, Align-GVGD) all suggest that this variant is likely to be tolerated, but these predictions have not been confirmed by published functional studies and their clinical significance is uncertain. In summary, the available evidence is currently insufficient to determine the role of this variant in disease. Therefore, it has been classified as a Variant of Uncertain Significance.